The following is an entry in ClinVar:

ClinVar aggregate classification (germline): Uncertain significance (1 of 4 stars; one submission).

Allele frequency attached by ClinVar (database versions not stated): gnomAD exomes below 0.00001.
gnomAD v4.1: 1 of 1,613,634 alleles (0.000062%); highest among the groups gnomAD compares: South Asian, 0.0011%; no homozygotes.

Submission:

Women's Health and Genetics/Laboratory Corporation of America, LabCorp
Classification: Uncertain significance. Last evaluated: 2023-12-12. Review status: criteria provided, single submitter. Criteria: LabCorp Variant Classification Summary - May 2015. Collection method: clinical testing. Allele origin: germline.
Comment: Variant summary: MSH6 c.3602T>A (p.Leu1201His) results in a non-conservative amino acid change located in the DNA mismatch repair protein MutS, C-terminal of the encoded protein sequence. Five of five in-silico tools predict a damaging effect of the variant on protein function. The variant was absent in 251442 control chromosomes. The available data on variant occurrences in the general population are insufficient to allow any conclusion about variant significance. To our knowledge, no occurrence of c.3602T>A in individuals affected with Lynch Syndrome and no experimental evidence demonstrating its impact on protein function have been reported. No submitters have cited clinical-significance assessments for this variant to ClinVar after 2014. Based on the evidence outlined above, the variant was classified as uncertain significance.

NM_000179.3(MSH6):c.3602T>A (p.Leu1201His)

Gene: MSH6 (mutS homolog 6; plus strand). Cytogenetic location: 2p16.3.
Variant type: single nucleotide variant.
Coding change: c.3602T>A on transcript NM_000179.3 (MANE Select); coding-DNA position 3602, T replaced by A.
Protein change: p.Leu1201His; replaces leucine 1201 with histidine.
Molecular consequence: missense variant. On other transcripts: non-coding transcript variant (5).
Genome position (GRCh38, 1-based): chr2:47,805,663, T>A. VCF-style: chr2-47805663-T-A. GRCh37 (hg19) VCF-style: chr2-48032802-T-A.
Other names: c.3212T>A, p.Leu1071His (NM_001281492.2); c.2696T>A, p.Leu899His (NM_001281493.2, NM_001281494.2, NM_001406811.1 and 6 more transcripts); c.3698T>A, p.Leu1233His (NM_001406795.1, NM_001406802.1); c.3602T>A, p.Leu1201His (NM_001406796.1, NM_001406800.1, NM_001406808.1 and 1 more transcripts); c.3305T>A, p.Leu1102His (NM_001406797.1, NM_001406801.1, NM_001406805.1 and 10 more transcripts); c.3428T>A, p.Leu1143His (NM_001406798.1); c.3077T>A, p.Leu1026His (NM_001406799.1, NM_001406806.1, NM_001406807.1); c.2738T>A, p.Leu913His (NM_001406803.1); and 7 more; short protein forms L1026H, L1071H, L1102H, L1143H, L1145H, L1175H, L1201H, L1203H.
Identifiers: ClinVar variation 2691617 (VCV002691617.1), dbSNP rs2530823755, ClinGen allele CA346760554.